The following is an entry in ClinVar:

ClinVar aggregate classification (germline): Uncertain significance (1 of 4 stars; one submission).

Allele frequency attached by ClinVar (database versions not stated): gnomAD 0.00001.
gnomAD v4.1: 1 of 1,614,012 alleles (0.000062%); highest among the groups gnomAD compares: Admixed American, 0.0017%; no homozygotes.

Submission:

Labcorp Genetics (formerly Invitae), Labcorp
Classification: Uncertain significance. Last evaluated: 2025-05-12. Review status: criteria provided, single submitter. Criteria: Invitae Variant Classification Sherloc (09022015). Collection method: clinical testing. Allele origin: germline.
Comment: This sequence change replaces lysine, which is basic and polar, with arginine, which is basic and polar, at codon 138 of the REST protein (p.Lys138Arg). This variant is present in population databases (no rsID available, gnomAD 0.1%). This variant has not been reported in the literature in individuals affected with REST-related conditions. ClinVar contains an entry for this variant (Variation ID: 2886408). An algorithm developed to predict the effect of missense changes on protein structure and function (PolyPhen-2) suggests that this variant is likely to be disruptive. In summary, the available evidence is currently insufficient to determine the role of this variant in disease. Therefore, it has been classified as a Variant of Uncertain Significance.

NM_005612.5(REST):c.413A>G (p.Lys138Arg)

Gene: REST (RE1 silencing transcription factor; plus strand). Cytogenetic location: 4q12.
Variant type: single nucleotide variant.
Coding change: c.413A>G on transcript NM_005612.5 (MANE Select); coding-DNA position 413, A replaced by G.
Protein change: p.Lys138Arg; replaces lysine 138 with arginine.
Molecular consequence: missense variant.
Genome position (GRCh38, 1-based): chr4:56,911,051, A>G. VCF-style: chr4-56911051-A-G. GRCh37 (hg19) VCF-style: chr4-57777217-A-G.
Other names: c.413A>G, p.Lys138Arg (NM_001193508.2, NM_001363453.3); short protein forms K138R.
Identifiers: ClinVar variation 2886408 (VCV002886408.3), dbSNP rs1358594587, ClinGen allele CA357003814.
Genomic context (GRCh38, chr4:56,911,051, plus strand): 5'-TCGTAGAACCTCAGCCTGTATTTGAGGCATCAGGTGCTCCAGATATTTACAGTTCAAATA[A>G]AGATCTTCCCCCTGAAACACCTGGAGCGGAGGACAAAGGCAAGAGCTCGAAGACCAAACC-3'
Protein context (NP_005603.3, residues 128-148): SGAPDIYSSN[Lys138Arg]DLPPETPGAE